The following is an entry in ClinVar:

NM_001199397.3(NEK1):c.3783T>G (p.Asn1261Lys)

Gene: NEK1 (NIMA related kinase 1; minus strand). Cytogenetic location: 4q33.
Variant type: single nucleotide variant.
Coding change: c.3783T>G on transcript NM_001199397.3 (MANE Select); coding-DNA position 3783, T replaced by G.
Protein change: p.Asn1261Lys; replaces asparagine 1261 with lysine.
Molecular consequence: missense variant. On other transcripts: non-coding transcript variant (1).
Genome position (GRCh38, 1-based): chr4:169,400,289, A>C on the plus strand (T>G on the coding strand, the complement: NEK1 is on the minus strand). VCF-style: chr4-169400289-A-C. GRCh37 (hg19) VCF-style: chr4-170321440-A-C.
Other names: c.3651T>G, p.Asn1217Lys (NM_001199398.3); c.3492T>G, p.Asn1164Lys (NM_001199399.3); c.3567T>G, p.Asn1189Lys (NM_001199400.3); c.3783T>G, p.Asn1261Lys (NM_001374418.1); c.3699T>G, p.Asn1233Lys (NM_001374419.1, NM_012224.4); c.3648T>G, p.Asn1216Lys (NM_001374420.1); c.3300T>G, p.Asn1100Lys (NM_001374421.1); short protein forms N1164K, N1261K, N1217K, N1216K, N1100K, N1189K, N1233K.
Identifiers: ClinVar variation 2190507 (VCV002190507.4), dbSNP rs768808117, ClinGen allele CA3137088.

ClinVar aggregate classification (germline): Uncertain significance (1 of 4 stars; one submission).

Conditions:
Short-rib thoracic dysplasia 6 with or without polydactyly (SRTD6). Also called: SHORT RIB-POLYDACTYLY SYNDROME, TYPE IIA; POLYDACTYLY WITH NEONATAL CHONDRODYSTROPHY, TYPE II; Majewski Syndrome; SHORT-RIB THORACIC DYSPLASIA 6 WITH POLYDACTYLY; SHORT-RIB THORACIC DYSPLASIA 6 WITHOUT POLYDACTYLY. Identifiers: MedGen C0024507, MONDO:0009894, OMIM 263520.

Allele frequency attached by ClinVar (database versions not stated): ExAC 0.00003.

Submission:

Labcorp Genetics (formerly Invitae), Labcorp
Classification: Uncertain significance for Short-rib thoracic dysplasia 6 with or without polydactyly. Last evaluated: 2022-02-21. Review status: criteria provided, single submitter. Criteria: Invitae Variant Classification Sherloc (09022015). Collection method: clinical testing. Allele origin: germline.
Comment: Algorithms developed to predict the effect of sequence changes on RNA splicing suggest that this variant may create or strengthen a splice site. This sequence change replaces asparagine, which is neutral and polar, with lysine, which is basic and polar, at codon 1233 of the NEK1 protein (p.Asn1233Lys). This variant is present in population databases (rs768808117, gnomAD 0.001%). This variant has not been reported in the literature in individuals affected with NEK1-related conditions. Advanced modeling of protein sequence and biophysical properties (such as structural, functional, and spatial information, amino acid conservation, physicochemical variation, residue mobility, and thermodynamic stability) performed at Invitae indicates that this missense variant is not expected to disrupt NEK1 protein function. In summary, the available evidence is currently insufficient to determine the role of this variant in disease. Therefore, it has been classified as a Variant of Uncertain Significance.